The following is an entry in ClinVar:

NM_000238.4(KCNH2):c.257T>C (p.Leu86Pro)

Gene: KCNH2 (potassium voltage-gated channel subfamily H member 2; minus strand). Cytogenetic location: 7q36.1.
Variant type: single nucleotide variant.
Coding change: c.257T>C on transcript NM_000238.4 (MANE Select); coding-DNA position 257, T replaced by C.
Protein change: p.Leu86Pro; replaces leucine 86 with proline.
Molecular consequence: missense variant.
Genome position (GRCh38, 1-based): chr7:150,974,761, A>G on the plus strand (T>C on the coding strand, the complement: KCNH2 is on the minus strand). VCF-style: chr7-150974761-A-G. GRCh37 (hg19) VCF-style: chr7-150671849-A-G.
Other names: c.257T>C (NM_000238.2, LRG_288t1); c.80T>C, p.Leu27Pro (NM_001406755.1); c.257T>C, p.Leu86Pro (NM_172056.3); short protein forms L86P, L27P.
Identifiers: ClinVar variation 67413 (VCV000067413.9), dbSNP rs199472851, ClinGen allele CA006960.
Genomic context (GRCh38, chr7:150,974,761, plus strand): 5'-CCGCTCCTACCATCTTTCCGGTAGAAGGCGATTTCCACTTTGCGCTCCTCGGCGCCCAGC[A>G]GTGCCTGCGCGATCTGCGCGGCAGCGCGGCGCTGCGTGCGCGGCCCGTGCAGGAAGTCGC-3'
Protein context (NP_000229.1, residues 76-96): RRAAAQIAQA[Leu86Pro]LGAEERKVEI

ClinVar aggregate classification (germline): Uncertain significance. Review status: criteria provided, multiple submitters, no conflicts (2 of 4 stars). 4 submissions from 4 submitters: Uncertain significance (3). 1 of the submissions does not count toward it. Last evaluated 2024-05-17.

Conditions:
Cardiovascular phenotype. Identifiers: MedGen CN230736.
Familial long QT syndrome (RWS). Also called: Congenital long QT syndrome; Romano-Ward syndrome; VENTRICULAR FIBRILLATION WITH PROLONGED QT INTERVAL. Identifiers: Orphanet 768, MedGen C1141890, MONDO:0019171.
Long QT syndrome (LQTS). Identifiers: MedGen C0023976, MeSH D008133, MONDO:0002442. Disease mechanism: loss of function. Inheritance: Various modes of inheritance.

Submissions (4):

Labcorp Genetics (formerly Invitae), Labcorp
Classification: Uncertain significance for Long QT syndrome. Last evaluated: 2024-05-17. Review status: criteria provided, single submitter. Criteria: Invitae Variant Classification Sherloc (09022015). Collection method: clinical testing. Allele origin: germline.
Comment: This sequence change replaces leucine, which is neutral and non-polar, with proline, which is neutral and non-polar, at codon 86 of the KCNH2 protein (p.Leu86Pro). This variant is not present in population databases (gnomAD no frequency). This missense change has been observed in individual(s) with clinical features of KCNH2-conditions (PMID: 19716085; Invitae). ClinVar contains an entry for this variant (Variation ID: 67413). An algorithm developed to predict the effect of missense changes on protein structure and function (PolyPhen-2) suggests that this variant is likely to be disruptive. Experimental studies have shown that this missense change affects KCNH2 function (PMID: 25417810, 32475984, 35688147, 35688148). In summary, the available evidence is currently insufficient to determine the role of this variant in disease. Therefore, it has been classified as a Variant of Uncertain Significance.

GeneDx
Classification: Uncertain significance. Last evaluated: 2020-12-31. Review status: criteria provided, single submitter. Criteria: GeneDx Variant Classification Process June 2021. Collection method: clinical testing. Allele origin: germline. Affected: yes.
Comment: Reported in one individual referred for LQTS genetic testing; no patient-specific data were described (Kapplinger et al., 2009); In silico analysis supports that this missense variant has a deleterious effect on protein structure/function; Not observed in large population cohorts (Lek et al., 2016); This variant is associated with the following publications: (PMID: 19716085, 25417810, 22581653, 32475984)

Ambry Genetics
Classification: Uncertain significance for Cardiovascular phenotype. Last evaluated: 2018-03-28. Review status: criteria provided, single submitter. Criteria: Ambry Variant Classification Scheme 2023. Collection method: clinical testing. Allele origin: germline.

Cardiovascular Biomedical Research Unit, Royal Brompton & Harefield NHS Foundation Trust
No classification provided. Condition: Familial long QT syndrome. Review status: no classification provided. Collection method: literature only. Allele origin: germline. Not counted in ClinVar's aggregate classification.
Comment: This variant has been reported as associated with Long QT syndrome in the following publications (PMID:19716085). This is a literature report, and does not necessarily reflect the clinical interpretation of the Imperial College / Royal Brompton Cardiovascular Genetics laboratory.

Literature cited by the submitters: PubMed 19716085 (cited by Labcorp Genetics (formerly Invitae), Labcorp and Cardiovascular Biomedical Research Unit, Royal Brompton & Harefield NHS Foundation Trust); PubMed 25417810 (cited by Labcorp Genetics (formerly Invitae), Labcorp); PubMed 32475984 (cited by Labcorp Genetics (formerly Invitae), Labcorp); PubMed 35688147 (cited by Labcorp Genetics (formerly Invitae), Labcorp); PubMed 35688148 (cited by Labcorp Genetics (formerly Invitae), Labcorp); PubMed 22581653 (cited by Cardiovascular Biomedical Research Unit, Royal Brompton & Harefield NHS Foundation Trust).